The following is an entry in ClinVar:

ClinVar aggregate classification (germline): Pathogenic (1 of 4 stars; one submission).

Conditions:
Osteogenesis imperfecta type 7 (OI7). Also called: Osteogenesis imperfecta type 2B; OI type 2B; Osteogenesis imperfecta, perinatal lethal autosomal recessive; OI type IIB; OSTEOGENESIS IMPERFECTA, TYPE IIB; OI type 7. Identifiers: MedGen C1853162, MONDO:0012536, OMIM 610682.

Submission:

Labcorp Genetics (formerly Invitae), Labcorp
Classification: Pathogenic for Osteogenesis imperfecta type 7. Last evaluated: 2023-08-11. Review status: criteria provided, single submitter. Criteria: Invitae Variant Classification Sherloc (09022015). Collection method: clinical testing. Allele origin: germline.
Comment: This sequence change creates a premature translational stop signal (p.Gln333*) in the CRTAP gene. It is expected to result in an absent or disrupted protein product. Loss-of-function variants in CRTAP are known to be pathogenic (PMID: 17055431, 19862557, 24715559). This variant is not present in population databases (gnomAD no frequency). This variant has not been reported in the literature in individuals affected with CRTAP-related conditions. For these reasons, this variant has been classified as Pathogenic.

Literature cited by the submitters: PubMed 17055431; PubMed 19862557; PubMed 24715559.

NM_006371.5(CRTAP):c.997C>T (p.Gln333Ter)

Gene: CRTAP (cartilage associated protein; plus strand). Cytogenetic location: 3p22.3.
Variant type: single nucleotide variant.
Coding change: c.997C>T on transcript NM_006371.5 (MANE Select); coding-DNA position 997, C replaced by T.
Protein change: p.Gln333Ter; replaces glutamine 333 with a stop codon.
Molecular consequence: nonsense.
Genome position (GRCh38, 1-based): chr3:33,132,629, C>T. VCF-style: chr3-33132629-C-T. GRCh37 (hg19) VCF-style: chr3-33174121-C-T.
Other names: c.997C>T, p.Gln333Ter (NM_001393363.1); c.868C>T, p.Gln290Ter (NM_001393364.1); c.847C>T, p.Gln283Ter (NM_001393365.1); short protein forms Q290*, Q333*, Q283*.
Identifiers: ClinVar variation 2751904 (VCV002751904.3), dbSNP rs2471585496, ClinGen allele CA351997614.